The following is an entry in ClinVar:

ClinVar aggregate classification (germline): Uncertain significance (1 of 4 stars; one submission).

gnomAD v4.1: 7 of 1,614,100 alleles (0.00043%); highest among the groups gnomAD compares: Non-Finnish European, 0.00059%; no homozygotes.

Submission:

Labcorp Genetics (formerly Invitae), Labcorp
Classification: Uncertain significance. Last evaluated: 2025-06-17. Review status: criteria provided, single submitter. Criteria: Invitae Variant Classification Sherloc (09022015). Collection method: clinical testing. Allele origin: germline.
Comment: This sequence change replaces aspartic acid, which is acidic and polar, with glutamic acid, which is acidic and polar, at codon 1250 of the FLNB protein (p.Asp1250Glu). This variant is present in population databases (rs764134582, gnomAD 0.002%). This variant has not been reported in the literature in individuals affected with FLNB-related conditions. Invitae Evidence Modeling of protein sequence and biophysical properties (such as structural, functional, and spatial information, amino acid conservation, physicochemical variation, residue mobility, and thermodynamic stability) indicates that this missense variant is not expected to disrupt FLNB protein function with a negative predictive value of 95%. In summary, the available evidence is currently insufficient to determine the role of this variant in disease. Therefore, it has been classified as a Variant of Uncertain Significance.

NM_001457.4(FLNB):c.3750C>A (p.Asp1250Glu)

Gene: FLNB (filamin B; plus strand). Cytogenetic location: 3p14.3.
Variant type: single nucleotide variant.
Coding change: c.3750C>A on transcript NM_001457.4 (MANE Select); coding-DNA position 3750, C replaced by A.
Protein change: p.Asp1250Glu; replaces aspartic acid 1250 with glutamic acid.
Molecular consequence: missense variant.
Genome position (GRCh38, 1-based): chr3:58,124,357, C>A. VCF-style: chr3-58124357-C-A. GRCh37 (hg19) VCF-style: chr3-58110084-C-A.
Other names: c.3750C>A, p.Asp1250Glu (NM_001164317.2, NM_001164318.2, NM_001164319.2); short protein forms D1250E.
Identifiers: ClinVar variation 4700838 (VCV004700838.1).